The following is an entry in ClinVar:

NM_018671.5(UNC45A):c.1925C>T (p.Ala642Val)

Gene: UNC45A (unc-45 myosin chaperone A; plus strand). Cytogenetic location: 15q26.1.
Variant type: single nucleotide variant.
Coding change: c.1925C>T on transcript NM_018671.5 (MANE Select); coding-DNA position 1925, C replaced by T.
Protein change: p.Ala642Val; replaces alanine 642 with valine.
Molecular consequence: missense variant.
Genome position (GRCh38, 1-based): chr15:90,949,362, C>T. VCF-style: chr15-90949362-C-T. GRCh37 (hg19) VCF-style: chr15-91492592-C-T.
Other names: c.1880C>T, p.Ala627Val (NM_001039675.2, NM_001323621.2); c.1925C>T, p.Ala642Val (NM_001323619.1); c.1490C>T, p.Ala497Val (NM_001323620.2); short protein forms A497V, A627V, A642V.
Identifiers: ClinVar variation 1443003 (VCV001443003.5), dbSNP rs368144737, ClinGen allele CA7743119.
Genomic context (GRCh38, chr15:90,949,362, plus strand): 5'-GCCTCCTCCCCCAGGACAAGCCAAGCTTCGTGCGGGCTCGGGTGAAGAAGCTGCTGGCAG[C>T]GGGTGTGGTGTCGGCCATGGTGTGCATGGTGAAGACGGAGAGCCCTGTGCTGACCAGTTC-3'
Protein context (NP_061141.2, residues 632-652): VRARVKKLLA[Ala642Val]GVVSAMVCMV

ClinVar aggregate classification (germline): Uncertain significance (1 of 4 stars; one submission).

Allele frequency attached by ClinVar (database versions not stated): gnomAD 0.00004 and 0.00005; gnomAD exomes 0.00004 and 0.00009; ExAC 0.00005; TOPMed 0.00005; ESP Exome Variant Server 0.00008.
gnomAD v4.1: 140 of 1,613,498 alleles (0.0087%); highest among the groups gnomAD compares: Middle Eastern, 0.016%; no homozygotes.

Submission:

Labcorp Genetics (formerly Invitae), Labcorp
Classification: Uncertain significance. Last evaluated: 2022-06-13. Review status: criteria provided, single submitter. Criteria: Invitae Variant Classification Sherloc (09022015). Collection method: clinical testing. Allele origin: germline.
Comment: This sequence change replaces alanine, which is neutral and non-polar, with valine, which is neutral and non-polar, at codon 642 of the UNC45A protein (p.Ala642Val). This variant is present in population databases (rs368144737, gnomAD 0.007%). This variant has not been reported in the literature in individuals affected with UNC45A-related conditions. Algorithms developed to predict the effect of missense changes on protein structure and function are either unavailable or do not agree on the potential impact of this missense change (SIFT: "Not Available"; PolyPhen-2: "Possibly Damaging"; Align-GVGD: "Not Available"). In summary, the available evidence is currently insufficient to determine the role of this variant in disease. Therefore, it has been classified as a Variant of Uncertain Significance.